The following is an entry in ClinVar:

NM_001394395.1(PPIP5K1):c.977G>A (p.Gly326Asp)

Gene: PPIP5K1 (diphosphoinositol pentakisphosphate kinase 1; minus strand). Cytogenetic location: 15q15.3.
Variant type: single nucleotide variant.
Coding change: c.977G>A on transcript NM_001394395.1 (MANE Select); coding-DNA position 977, G replaced by A.
Protein change: p.Gly326Asp; replaces glycine 326 with aspartic acid.
Molecular consequence: missense variant. On other transcripts: 5 prime UTR variant (2).
Genome position (GRCh38, 1-based): chr15:43,581,086, C>T on the plus strand (G>A on the coding strand, the complement: PPIP5K1 is on the minus strand). VCF-style: chr15-43581086-C-T. GRCh37 (hg19) VCF-style: chr15-43873284-C-T.
Other names: c.977G>A, p.Gly326Asp (NM_001130859.3, NM_001190214.2, NM_001354382.3 and 20 more transcripts); c.212G>A, p.Gly71Asp (NM_001354399.2, NM_001354400.2, NM_001354398.2); c.-2490G>A (NM_001354401.2, NM_001354402.2); short protein forms G326D, G71D.
Identifiers: ClinVar variation 4862436 (VCV004862436.1).

ClinVar aggregate classification (germline): Uncertain significance (1 of 4 stars; one submission).

Submission:

Ambry Genetics
Classification: Uncertain significance. Last evaluated: 2026-03-17. Review status: criteria provided, single submitter. Criteria: Ambry Variant Classification Scheme 2023. Collection method: clinical testing. Allele origin: germline.
Comment: The c.977G>A (p.G326D) alteration is located in exon 10 (coding exon 8) of the PPIP5K1 gene. This alteration results from a G to A substitution at nucleotide position 977, causing the glycine (G) at amino acid position 326 to be replaced by an aspartic acid (D). Based on data from gnomAD, the A allele has an overall frequency of 0.002% (4/254518) total alleles studied. The highest observed frequency was 0.003% (4/118932) of European (non-Finnish) alleles. Based on insufficient or conflicting evidence, the clinical significance of this alteration remains unclear.